The following is an entry in ClinVar:

ClinVar aggregate classification (germline): Likely benign (1 of 4 stars; one submission).

Allele frequency attached by ClinVar (database versions not stated): 1000 Genomes Project 0.00080; 1000 Genomes Project 30x 0.00312.

Submission:

CeGaT Center for Human Genetics Tuebingen
Classification: Likely benign. Last evaluated: 2026-04-01. Review status: criteria provided, single submitter. Criteria: CeGaT Center For Human Genetics Tuebingen Variant Classification Criteria Version 2. Collection method: clinical testing. Allele origin: germline. Affected: yes. Observed: 2 variant alleles.
Comment: AHNAK2: BP4

NM_138420.4(AHNAK2):c.6064G>A (p.Val2022Met)

Gene: AHNAK2 (AHNAK nucleoprotein 2; minus strand). Cytogenetic location: 14q32.33.
Variant type: single nucleotide variant.
Coding change: c.6064G>A on transcript NM_138420.4 (MANE Select); coding-DNA position 6064, G replaced by A.
Protein change: p.Val2022Met; replaces valine 2022 with methionine.
Molecular consequence: missense variant.
Genome position (GRCh38, 1-based): chr14:104,949,387, C>T on the plus strand (G>A on the coding strand, the complement: AHNAK2 is on the minus strand). VCF-style: chr14-104949387-C-T. GRCh37 (hg19) VCF-style: chr14-105415724-C-T.
Other names: c.5764G>A, p.Val1922Met (NM_001350929.2); short protein forms V1922M, V2022M.
Identifiers: ClinVar variation 2644758 (VCV002644758.24), dbSNP rs200472179, ClinGen allele CA7381363.